The following is an entry in ClinVar:

ClinVar aggregate classification (germline): Likely benign. Review status: criteria provided, multiple submitters, no conflicts (2 of 4 stars). 3 submissions from 3 submitters: Likely benign (2). 1 of the submissions does not count toward it. Last evaluated 2025-05-21.

Conditions:
TRRAP-related disorder. Also called: TRRAP-related condition.

Allele frequency attached by ClinVar (database versions not stated): ExAC 0.00005; TOPMed 0.00006; gnomAD exomes 0.00007; ESP Exome Variant Server 0.00008; gnomAD 0.00009.
gnomAD v4.1: 116 of 1,613,608 alleles (0.0072%); highest among the groups gnomAD compares: Non-Finnish European, 0.0075%; no homozygotes.

Submissions (3):

Labcorp Genetics (formerly Invitae), Labcorp
Classification: Likely benign. Last evaluated: 2025-05-21. Review status: criteria provided, single submitter. Criteria: Invitae Variant Classification Sherloc (09022015). Collection method: clinical testing. Allele origin: germline.

CeGaT Center for Human Genetics Tuebingen
Classification: Likely benign. Last evaluated: 2023-05-01. Review status: criteria provided, single submitter. Criteria: CeGaT Center For Human Genetics Tuebingen Variant Classification Criteria Version 2. Collection method: clinical testing. Allele origin: germline. Affected: yes. Observed: 1 variant allele.
Comment: TRRAP: BP4, BP7

PreventionGenetics, part of Exact Sciences
Classification: Likely benign for TRRAP-related condition. Last evaluated: 2019-09-10. Review status: no assertion criteria provided. Collection method: clinical testing. Allele origin: germline. Not counted in ClinVar's aggregate classification.
Comment: This variant is classified as likely benign based on ACMG/AMP sequence variant interpretation guidelines (Richards et al. 2015 PMID: 25741868, with internal and published modifications).

NM_001375524.1(TRRAP):c.862T>C (p.Leu288=)

Gene: TRRAP (transformation/transcription domain associated protein; plus strand). Cytogenetic location: 7q22.1.
Variant type: single nucleotide variant.
Coding change: c.862T>C on transcript NM_001375524.1 (MANE Select); coding-DNA position 862, T replaced by C.
Protein change: p.Leu288=; no amino-acid change (leucine 288 retained).
Molecular consequence: synonymous variant.
Genome position (GRCh38, 1-based): chr7:98,900,685, T>C. VCF-style: chr7-98900685-T-C. GRCh37 (hg19) VCF-style: chr7-98498308-T-C.
Other names: c.862T>C, p.Leu288= (NM_001244580.2, NM_003496.4); c.862T>C (NM_003496.3).
Identifiers: ClinVar variation 2657699 (VCV002657699.28), dbSNP rs202050269, ClinGen allele CA4359377.
Genomic context (GRCh38, chr7:98,900,685, plus strand): 5'-CAACATAAGCTTTACAACAAGGAGTTGTATGCTGACTTCATTGCTGCTCAGATTAAAACA[T>C]TGTCATTTTTAGCTTACATTATCAGGATTTACCAGGTAAGGTCATTGACTTTTATGTCAG-3'
Protein context (NP_001362453.1, residues 278-298): ADFIAAQIKT[Leu288=]SFLAYIIRIY